The following is an entry in ClinVar:

NM_000054.7(AVPR2):c.891C>T (p.Asp297=)

Gene: AVPR2 (arginine vasopressin receptor 2; plus strand). Cytogenetic location: Xq28.
Variant type: single nucleotide variant.
Coding change: c.891C>T on transcript NM_000054.7 (MANE Select); coding-DNA position 891, C replaced by T.
Protein change: p.Asp297=; no amino-acid change (aspartic acid 297 retained).
Molecular consequence: synonymous variant. On other transcripts: non-coding transcript variant (1).
Genome position (GRCh38, 1-based): chrX:153,906,397, C>T. VCF-style: chrX-153906397-C-T. GRCh37 (hg19) VCF-style: chrX-153171851-C-T.
Other names: c.891C>T, p.Asp297= (NM_001146151.3).
Identifiers: ClinVar variation 2967326 (VCV002967326.4), dbSNP rs782449874, ClinGen allele CA10555087.

ClinVar aggregate classification (germline): Likely benign. Review status: criteria provided, multiple submitters, no conflicts (2 of 4 stars). 2 submissions from 2 submitters: Likely benign (2). Last evaluated 2024-12-10.

Allele frequency attached by ClinVar (database versions not stated): ExAC 0.00001; gnomAD exomes 0.00001; TOPMed 0.00001; gnomAD 0.00005.

Submissions (2):

Women's Health and Genetics/Laboratory Corporation of America, LabCorp
Classification: Likely benign. Last evaluated: 2024-12-10. Review status: criteria provided, single submitter. Criteria: LabCorp Variant Classification Summary - May 2015. Collection method: clinical testing. Allele origin: germline.
Comment: Variant summary: AVPR2 c.891C>T results in a synonymous change. Consensus agreement among computation tools predict no significant impact on normal splicing (TrAP). However, these predictions have yet to be confirmed by functional studies. The variant allele was found at a frequency of 1.1e-05 in 180973 control chromosomes. The available data on variant occurrences in the general population are insufficient to allow any conclusion about variant significance. To our knowledge, no occurrence of c.891C>T in individuals affected with Nephrogenic Diabetes Insipidus and no experimental evidence demonstrating its impact on protein function have been reported. ClinVar contains an entry for this variant (Variation ID: 2967326). Based on the evidence outlined above, the variant was classified as likely benign.

Labcorp Genetics (formerly Invitae), Labcorp
Classification: Likely benign. Last evaluated: 2024-03-20. Review status: criteria provided, single submitter. Criteria: Invitae Variant Classification Sherloc (09022015). Collection method: clinical testing. Allele origin: germline.